The following is an entry in ClinVar:

ClinVar aggregate classification (germline): Pathogenic (1 of 4 stars; one submission).

Conditions:
Primary ciliary dyskinesia 3. Identifiers: Orphanet 244, MedGen C1837618, MONDO:0012085, OMIM 608644.

Submission:

Myriad Genetics, Inc.
Classification: Pathogenic for Primary ciliary dyskinesia 3. Last evaluated: 2024-05-14. Review status: criteria provided, single submitter. Criteria: Myriad Autosomal Dominant, Autosomal Recessive and X-Linked Classification Criteria (2023). Collection method: clinical testing. Allele origin: unknown.
Comment: NM_001369.2(DNAH5):c.5583_5584insCA(A1862Qfs*10) is expected to be pathogenic in the context of primary ciliary dyskinesia, DNAH5-related. This variant is predicted to lead to an abnormal or absent protein product due to the creation of a premature termination codon in DNAH5, a gene where loss-of-function variants are known to be pathogenic. Please note: this variant was assessed in the context of healthy population screening.

NM_001369.3(DNAH5):c.5583_5584insCA (p.Ala1862fs)

Gene: DNAH5 (dynein axonemal heavy chain 5; minus strand). Cytogenetic location: 5p15.2.
Variant type: Insertion.
Coding change: c.5583_5584insCA on transcript NM_001369.3 (MANE Select); coding-DNA positions 5583 to 5584, CA inserted.
Protein change: p.Ala1862fs; shifts the reading frame from alanine 1862.
Molecular consequence: frameshift variant.
Genome position: GRCh38 VCF-style: chr5-13841031-C-CTG. GRCh37 (hg19) VCF-style: chr5-13841140-C-CTG.
Other names: short protein forms A1862fs.
Identifiers: ClinVar variation 5010961 (VCV005010961.1).